The following is an entry in ClinVar:

NM_005359.6(SMAD4):c.787A>C (p.Asn263His)

Gene: SMAD4 (SMAD family member 4; plus strand). Cytogenetic location: 18q21.2.
Variant type: single nucleotide variant.
Coding change: c.787A>C on transcript NM_005359.6 (MANE Select); coding-DNA position 787, A replaced by C.
Protein change: p.Asn263His; replaces asparagine 263 with histidine.
Molecular consequence: missense variant. On other transcripts: non-coding transcript variant (2).
Genome position (GRCh38, 1-based): chr18:51,058,244, A>C. VCF-style: chr18-51058244-A-C. GRCh37 (hg19) VCF-style: chr18-48584614-A-C.
Other names: c.787A>C, p.Asn263His (NM_001407041.1, NM_001407042.1, NM_001407043.1); short protein forms N263H.
Identifiers: ClinVar variation 3655668 (VCV003655668.2).

ClinVar aggregate classification (germline): Uncertain significance (1 of 4 stars; one submission).

Conditions:
Juvenile polyposis syndrome (JPS). Identifiers: Orphanet 2929, MedGen C0345893, MONDO:0017380, OMIM 174900.

Submission:

Labcorp Genetics (formerly Invitae), Labcorp
Classification: Uncertain significance for Juvenile polyposis syndrome. Last evaluated: 2024-06-10. Review status: criteria provided, single submitter. Criteria: Invitae Variant Classification Sherloc (09022015). Collection method: clinical testing. Allele origin: germline.
Comment: This sequence change replaces asparagine, which is neutral and polar, with histidine, which is basic and polar, at codon 263 of the SMAD4 protein (p.Asn263His). This variant is not present in population databases (gnomAD no frequency). This variant has not been reported in the literature in individuals affected with SMAD4-related conditions. An algorithm developed to predict the effect of missense changes on protein structure and function (PolyPhen-2) suggests that this variant is likely to be tolerated. In summary, the available evidence is currently insufficient to determine the role of this variant in disease. Therefore, it has been classified as a Variant of Uncertain Significance.